The following is an entry in ClinVar:

NM_002528.7(NTHL1):c.-11A>T

Gene: NTHL1 (nth like DNA glycosylase 1; minus strand). Cytogenetic location: 16p13.3.
Variant type: single nucleotide variant.
Coding change: c.-11A>T on transcript NM_002528.7 (MANE Select); 11 bases upstream of the start codon, A replaced by T.
Molecular consequence: 5 prime UTR variant.
Genome position (GRCh38, 1-based): chr16:2,047,834, T>A on the plus strand (A>T on the coding strand, the complement: NTHL1 is on the minus strand). VCF-style: chr16-2047834-T-A. GRCh37 (hg19) VCF-style: chr16-2097835-T-A.
Other names: c.-11A>T (NM_001318193.2); c.-189A>T (NM_001318194.2).
Identifiers: ClinVar variation 819391 (VCV000819391.12), dbSNP rs756332498, ClinGen allele CA394298832.

ClinVar aggregate classification (germline): Uncertain significance. Review status: criteria provided, multiple submitters, no conflicts (2 of 4 stars). 2 submissions from 2 submitters: Uncertain significance (2). Last evaluated 2023-12-29.

Conditions:
Hereditary cancer-predisposing syndrome. Also called: Tumor predisposition; Hereditary neoplastic syndrome; Neoplastic Syndromes, Hereditary; Hereditary Cancer Syndrome. Identifiers: Orphanet 140162, MedGen C0027672, MeSH D009386, MONDO:0015356.

Allele frequency attached by ClinVar (database versions not stated): TOPMed below 0.00001.

Submissions (2):

Labcorp Genetics (formerly Invitae), Labcorp
Classification: Uncertain significance. Last evaluated: 2023-12-29. Review status: criteria provided, single submitter. Criteria: Invitae Variant Classification Sherloc (09022015). Collection method: clinical testing. Allele origin: germline.
Comment: This sequence change replaces glutamine, which is neutral and polar, with leucine, which is neutral and non-polar, at codon 5 of the NTHL1 protein (p.Gln5Leu). This variant is not present in population databases (gnomAD no frequency). This variant has not been reported in the literature in individuals affected with NTHL1-related conditions. ClinVar contains an entry for this variant (Variation ID: 819391). Algorithms developed to predict the effect of missense changes on protein structure and function output the following: SIFT: "Not Available"; PolyPhen-2: "Benign"; Align-GVGD: "Not Available". The leucine amino acid residue is found in multiple mammalian species, which suggests that this missense change does not adversely affect protein function. In summary, the available evidence is currently insufficient to determine the role of this variant in disease. Therefore, it has been classified as a Variant of Uncertain Significance.

Ambry Genetics
Classification: Uncertain significance for Hereditary cancer-predisposing syndrome. Last evaluated: 2023-12-01. Review status: criteria provided, single submitter. Criteria: Ambry Variant Classification Scheme 2023. Collection method: clinical testing. Allele origin: germline.
Comment: The p.Q5L variant (also known as c.14A>T), located in coding exon 1 of the NTHL1 gene, results from an A to T substitution at nucleotide position 14. The glutamine at codon 5 is replaced by leucine, an amino acid with dissimilar properties. This amino acid position is poorly conserved in available vertebrate species. In addition, this alteration is predicted to be tolerated by in silico analysis. Since supporting evidence is limited at this time, the clinical significance of this alteration remains unclear.